The following is an entry in ClinVar:

ClinVar aggregate classification (germline): Uncertain significance (1 of 4 stars; one submission).

Conditions:
DYRK1A-related intellectual disability syndrome (MRD7). Also called: DYRK1A Syndrome; Intellectual developmental disorder, autosomal dominant 7. Identifiers: Orphanet 464306, MedGen C5568143, MONDO:0013578, OMIM 614104.

Allele frequency attached by ClinVar (database versions not stated): gnomAD exomes below 0.00001.
gnomAD v4.1: 1 of 1,606,570 alleles (0.000062%); highest among the groups gnomAD compares: South Asian, 0.0011%; no homozygotes.

Submission:

Labcorp Genetics (formerly Invitae), Labcorp
Classification: Uncertain significance for DYRK1A-related intellectual disability syndrome. Last evaluated: 2022-03-23. Review status: criteria provided, single submitter. Criteria: Invitae Variant Classification Sherloc (09022015). Collection method: clinical testing. Allele origin: germline.
Comment: In summary, the available evidence is currently insufficient to determine the role of this variant in disease. Therefore, it has been classified as a Variant of Uncertain Significance. Advanced modeling of protein sequence and biophysical properties (such as structural, functional, and spatial information, amino acid conservation, physicochemical variation, residue mobility, and thermodynamic stability) performed at Invitae indicates that this missense variant is not expected to disrupt DYRK1A protein function. This variant has not been reported in the literature in individuals affected with DYRK1A-related conditions. This variant is not present in population databases (gnomAD no frequency). This sequence change replaces threonine, which is neutral and polar, with isoleucine, which is neutral and non-polar, at codon 508 of the DYRK1A protein (p.Thr508Ile).

NM_001347721.2(DYRK1A):c.1496C>T (p.Thr499Ile)

Gene: DYRK1A (dual specificity tyrosine phosphorylation regulated kinase 1A; plus strand). Cytogenetic location: 21q22.13.
Variant type: single nucleotide variant.
Coding change: c.1496C>T on transcript NM_001347721.2 (MANE Select); coding-DNA position 1496, C replaced by T.
Protein change: p.Thr499Ile; replaces threonine 499 with isoleucine.
Molecular consequence: missense variant.
Genome position (GRCh38, 1-based): chr21:37,505,566, C>T. VCF-style: chr21-37505566-C-T. GRCh37 (hg19) VCF-style: chr21-38877869-C-T.
Other names: c.1496C>T, p.Thr499Ile (NM_001347722.2, NM_130436.2); c.1409C>T, p.Thr470Ile (NM_001347723.2); c.1523C>T, p.Thr508Ile (NM_001396.5, NM_101395.2, NM_130438.2); short protein forms T470I, T499I, T508I.
Identifiers: ClinVar variation 2115428 (VCV002115428.4), dbSNP rs2518074762, ClinGen allele CA409938726.